The following is an entry in ClinVar:

NM_001083962.2(TCF4):c.369+1672A>G

Gene: TCF4 (transcription factor 4; minus strand). Cytogenetic location: 18q21.2.
Variant type: single nucleotide variant.
Coding change: c.369+1672A>G on transcript NM_001083962.2 (MANE Select); 1672 bases into the intron after coding-DNA position 369, A replaced by G.
Molecular consequence: intron variant.
Genome position (GRCh38, 1-based): chr18:55,401,782, T>C on the plus strand (A>G on the coding strand, the complement: TCF4 is on the minus strand). VCF-style: chr18-55401782-T-C. GRCh37 (hg19) VCF-style: chr18-53069013-T-C.
Other names: c.675+1672A>G (NM_001243226.3); c.297+1672A>G (NM_001369584.1, NM_001369576.1, NM_001369577.1 and 15 more transcripts); c.369+1672A>G (NM_001369571.1, NM_001369567.1, NM_001243228.2 and 8 more transcripts); c.363+1672A>G (NM_001243230.2); c.243+1672A>G (NM_001243231.2, NM_001348211.2); c.-19+1672A>G (NM_001348212.2); c.-22+1672A>G (NM_001348213.2, NM_001243233.2); c.159+1672A>G (NM_001306208.1, NM_001243232.1).
Identifiers: ClinVar variation 2571017 (VCV002571017.24), dbSNP rs145207252, ClinGen allele CA301146108.

ClinVar aggregate classification (germline): Likely benign (1 of 4 stars; one submission).

Allele frequency attached by ClinVar (database versions not stated): gnomAD exomes 0.00012; 1000 Genomes Project 30x 0.00141; 1000 Genomes Project 0.00160; gnomAD 0.00183; TOPMed 0.00204.
gnomAD v4.1: 379 of 985,826 alleles (0.038%); highest among the groups gnomAD compares: African/African-American, 0.61%; 1 homozygote.

Submission:

CeGaT Center for Human Genetics Tuebingen
Classification: Likely benign. Last evaluated: 2023-05-01. Review status: criteria provided, single submitter. Criteria: CeGaT Center For Human Genetics Tuebingen Variant Classification Criteria Version 2. Collection method: clinical testing. Allele origin: germline. Affected: yes. Observed: 2 variant alleles.
Comment: TCF4: BS1